The following is an entry in ClinVar:

ClinVar aggregate classification (germline): Uncertain significance (1 of 4 stars; one submission).

Conditions:
Inborn genetic diseases. Identifiers: MedGen C0950123, MeSH D030342.

gnomAD v4.1: 5 of 1,611,892 alleles (0.00031%); highest among the groups gnomAD compares: East Asian, 0.0022%; no homozygotes.

Submission:

Ambry Genetics
Classification: Uncertain significance for Inborn genetic diseases. Last evaluated: 2024-12-08. Review status: criteria provided, single submitter. Criteria: Ambry Variant Classification Scheme 2023. Collection method: clinical testing. Allele origin: germline.
Comment: The p.Q991R variant (also known as c.2972A>G), located in coding exon 29 of the RTEL1 gene, results from an A to G substitution at nucleotide position 2972. The glutamine at codon 991 is replaced by arginine, an amino acid with highly similar properties. This amino acid position is conserved. In addition, this alteration is predicted to be tolerated by in silico analysis. Based on the available evidence, the clinical significance of this variant remains unclear.

NM_001283009.2(RTEL1):c.2972A>G (p.Gln991Arg)

Genes: RTEL1 (regulator of telomere elongation helicase 1; plus strand), RTEL1-TNFRSF6B (RTEL1-TNFRSF6B readthrough (NMD candidate); plus strand). Cytogenetic location: 20q13.33.
Variant type: single nucleotide variant.
Coding change: c.2972A>G on transcript NM_001283009.2 (MANE Select); coding-DNA position 2972, A replaced by G.
Protein change: p.Gln991Arg; replaces glutamine 991 with arginine.
Molecular consequence: missense variant. On other transcripts: non-coding transcript variant (1).
Genome position (GRCh38, 1-based): chr20:63,693,263, A>G. VCF-style: chr20-63693263-A-G. GRCh37 (hg19) VCF-style: chr20-62324616-A-G.
Other names: c.2303A>G, p.Gln768Arg (NM_001283010.1); c.2972A>G, p.Gln991Arg (NM_016434.4); c.3044A>G, p.Gln1015Arg (NM_032957.5); short protein forms Q1015R, Q768R, Q991R.
Identifiers: ClinVar variation 3436038 (VCV003436038.1).